The following is an entry in ClinVar:

NM_001171.6(ABCC6):c.4441G>A (p.Gly1481Ser)

Gene: ABCC6 (ATP binding cassette subfamily C member 6; minus strand). Cytogenetic location: 16p13.11.
Variant type: single nucleotide variant.
Coding change: c.4441G>A on transcript NM_001171.6 (MANE Select); coding-DNA position 4441, G replaced by A.
Protein change: p.Gly1481Ser; replaces glycine 1481 with serine.
Molecular consequence: missense variant. On other transcripts: non-coding transcript variant (1).
Genome position (GRCh38, 1-based): chr16:16,150,204, C>T on the plus strand (G>A on the coding strand, the complement: ABCC6 is on the minus strand). VCF-style: chr16-16150204-C-T. GRCh37 (hg19) VCF-style: chr16-16244061-C-T.
Other names: c.4099G>A, p.Gly1367Ser (NM_001351800.1); short protein forms G1481S, G1367S.
Identifiers: ClinVar variation 433295 (VCV000433295.53), dbSNP rs63751279, ClinGen allele CA7925162.

ClinVar aggregate classification (germline): Uncertain significance. Review status: criteria provided, multiple submitters, no conflicts (2 of 4 stars). 8 submissions from 8 submitters: Uncertain significance (5). 3 of the submissions do not count toward it. Last evaluated 2025-08-07.

Conditions:
ABCC6-related disorder. Also called: ABCC6-related condition.
Arterial calcification, generalized, of infancy, 2. Identifiers: Orphanet 51608, MedGen C3276161, MONDO:0013768, OMIM 614473.
Autosomal recessive inherited pseudoxanthoma elasticum (PXE). Identifiers: Orphanet 758, MedGen CN032334, MONDO:0009925, OMIM 264800.
Pseudoxanthoma elasticum, forme fruste. Also called: Pseudoxanthoma Elasticum, Incomplete; PSEUDOXANTHOMA ELASTICUM, HETEROZYGOUS. Identifiers: Orphanet 758, MedGen C1867450, MONDO:0008333, OMIM 177850.

Allele frequency attached by ClinVar (database versions not stated): gnomAD 0.00003 and 0.00004; gnomAD exomes 0.00004 and 0.00006; TOPMed 0.00004; ExAC 0.00009.
gnomAD v4.1: 70 of 1,613,884 alleles (0.0043%); highest among the groups gnomAD compares: East Asian, 0.053%; no homozygotes.

Submissions (8):

Labcorp Genetics (formerly Invitae), Labcorp
Classification: Uncertain significance. Last evaluated: 2025-08-07. Review status: criteria provided, single submitter. Criteria: Invitae Variant Classification Sherloc (09022015). Collection method: clinical testing. Allele origin: germline.
Comment: This sequence change replaces glycine, which is neutral and non-polar, with serine, which is neutral and polar, at codon 1481 of the ABCC6 protein (p.Gly1481Ser). This variant is present in population databases (rs63751279, gnomAD 0.02%). This missense change has been observed in individual(s) with pseudoxanthoma elasticum (PMID: 17617515). ClinVar contains an entry for this variant (Variation ID: 433295). An algorithm developed to predict the effect of missense changes on protein structure and function outputs the following: PolyPhen-2: "Benign". The serine amino acid residue is found in multiple mammalian species, which suggests that this missense change does not adversely affect protein function. In summary, the available evidence is currently insufficient to determine the role of this variant in disease. Therefore, it has been classified as a Variant of Uncertain Significance.

Fulgent Genetics
Classification: Uncertain significance for Pseudoxanthoma elasticum, forme fruste; Autosomal recessive inherited pseudoxanthoma elasticum; Arterial calcification, generalized, of infancy, 2. Last evaluated: 2024-06-09. Review status: criteria provided, single submitter. Criteria: ACMG Guidelines, 2015. Collection method: clinical testing. Allele origin: germline.

Blueprint Genetics
Classification: Uncertain significance. Last evaluated: 2023-11-14. Review status: criteria provided, single submitter. Criteria: ACMG Guidelines, 2015. Collection method: clinical testing. Allele origin: germline.

CeGaT Center for Human Genetics Tuebingen
Classification: Uncertain significance. Last evaluated: 2019-08-01. Review status: criteria provided, single submitter. Criteria: CeGaT Center For Human Genetics Tuebingen Variant Classification Criteria Version 2. Collection method: clinical testing. Allele origin: germline. Affected: yes. Observed: 3 variant alleles.

Juno Genomics, Hangzhou Juno Genomics, Inc
Classification: Uncertain significance for Arterial calcification, generalized, of infancy, 2; Autosomal recessive inherited pseudoxanthoma elasticum; Pseudoxanthoma elasticum, forme fruste. Review status: criteria provided, single submitter. Criteria: ACMG Guidelines, 2015. Collection method: clinical testing. Allele origin: germline.
Comment: Absent from controls (or at extremely low frequency if recessive) in Genome Aggregation Database.;Multiple lines of computational evidence support a deleterious effect on the gene or gene product.

PreventionGenetics, part of Exact Sciences
Classification: Uncertain significance for ABCC6-related condition. Last evaluated: 2024-03-12. Review status: no assertion criteria provided. Collection method: clinical testing. Allele origin: germline. Not counted in ClinVar's aggregate classification.
Comment: The ABCC6 c.4441G>A variant is predicted to result in the amino acid substitution p.Gly1481Ser. This variant was reported in two individuals with pseudoxanthoma elasticum, although pathogenicity was not established (Pfendner et al. 2007. PubMed ID: 17617515; Table S2, Zheng et al. 2018. PubMed ID: 30056620). This variant is reported in 0.023% of alleles in individuals of South Asian descent in gnomAD. At this time, the clinical significance of this variant is uncertain due to the absence of conclusive functional and genetic evidence.

PXE International
Classification: Uncertain significance for Autosomal recessive inherited pseudoxanthoma elasticum. Last evaluated: 2021-03-01. Review status: no assertion criteria provided. Collection method: research. Allele origin: germline. Inheritance: Autosomal recessive inheritance. Affected: yes. Observed: 1 variant allele. Not counted in ClinVar's aggregate classification.

Biochemical Molecular Genetic Laboratory, King Abdulaziz Medical City
Classification: Uncertain significance for Autosomal recessive inherited pseudoxanthoma elasticum. Last evaluated: 2020-02-05. Review status: no assertion criteria provided. Collection method: clinical testing. Allele origin: germline. Affected: yes. Not counted in ClinVar's aggregate classification.

Literature cited by the submitters: PubMed 17617515 (cited by Labcorp Genetics (formerly Invitae), Labcorp); PubMed 32873932 (cited by PXE International).